The following is an entry in ClinVar:

ClinVar aggregate classification (germline): Uncertain significance (1 of 4 stars; one submission).

Conditions:
Hypertrophic cardiomyopathy 1 (CMH1). Also called: Familial hypertrophic cardiomyopathy 1; MYH7-Related Familial Hypertrophic Cardiomyopathy. Identifiers: MedGen C3495498, MONDO:0008647, OMIM 192600.

gnomAD v4.1: 1 of 1,613,966 alleles (0.000062%); no homozygotes.

Submission:

Labcorp Genetics (formerly Invitae), Labcorp
Classification: Uncertain significance for Hypertrophic cardiomyopathy 1. Last evaluated: 2024-07-03. Review status: criteria provided, single submitter. Criteria: Invitae Variant Classification Sherloc (09022015). Collection method: clinical testing. Allele origin: germline.
Comment: This sequence change replaces alanine, which is neutral and non-polar, with threonine, which is neutral and polar, at codon 575 of the MYLK2 protein (p.Ala575Thr). This variant is not present in population databases (gnomAD no frequency). This variant has not been reported in the literature in individuals affected with MYLK2-related conditions. An algorithm developed to predict the effect of missense changes on protein structure and function (PolyPhen-2) suggests that this variant is likely to be disruptive. In summary, the available evidence is currently insufficient to determine the role of this variant in disease. Therefore, it has been classified as a Variant of Uncertain Significance.

NM_033118.4(MYLK2):c.1723G>A (p.Ala575Thr)

Gene: MYLK2 (myosin light chain kinase 2; plus strand). Cytogenetic location: 20q11.21.
Variant type: single nucleotide variant.
Coding change: c.1723G>A on transcript NM_033118.4 (MANE Select); coding-DNA position 1723, G replaced by A.
Protein change: p.Ala575Thr; replaces alanine 575 with threonine.
Molecular consequence: missense variant.
Genome position (GRCh38, 1-based): chr20:31,833,729, G>A. VCF-style: chr20-31833729-G-A. GRCh37 (hg19) VCF-style: chr20-30421532-G-A.
Other names: short protein forms A575T.
Identifiers: ClinVar variation 3658609 (VCV003658609.2).